The following is an entry in ClinVar:

NM_000334.4(SCN4A):c.713C>T (p.Thr238Met)

Gene: SCN4A (sodium voltage-gated channel alpha subunit 4; minus strand). Cytogenetic location: 17q23.3.
Variant type: single nucleotide variant.
Coding change: c.713C>T on transcript NM_000334.4 (MANE Select); coding-DNA position 713, C replaced by T.
Protein change: p.Thr238Met; replaces threonine 238 with methionine.
Molecular consequence: missense variant.
Genome position (GRCh38, 1-based): chr17:63,968,346, G>A on the plus strand (C>T on the coding strand, the complement: SCN4A is on the minus strand). VCF-style: chr17-63968346-G-A. GRCh37 (hg19) VCF-style: chr17-62045706-G-A.
Other names: short protein forms T238M.
Identifiers: ClinVar variation 805399 (VCV000805399.10), dbSNP rs201661188, ClinGen allele CA8710058.

ClinVar aggregate classification (germline): Uncertain significance. Review status: criteria provided, multiple submitters, no conflicts (2 of 4 stars). 4 submissions from 4 submitters: Uncertain significance (4). Last evaluated 2025-06-12.

Conditions:
Paramyotonia congenita of Von Eulenburg. Also called: PARALYSIS PERIODICA PARAMYOTONICA; Eulenburg disease; Myotonia congenita intermittens; Von Eulenburg paramyotonia congenita; Paramyotonia Congenita. Identifiers: Orphanet 684, MedGen C0221055, MONDO:0008195, OMIM 168300. Disease mechanism: loss of function.
Hypokalemic periodic paralysis, type 2 (HOKPP2). Identifiers: Orphanet 681, MedGen C2750061, MONDO:0013234, OMIM 613345.
Hyperkalemic periodic paralysis. Also called: Familial hyperkalemic periodic paralysis; Gamstorp disease. Identifiers: Orphanet 682, MedGen C0238357, MONDO:0008224, OMIM 170500, HP:0007215.
Congenital myopathy 22A, classic (CMYO22A). Identifiers: MedGen C5830453, MONDO:0957247, OMIM 620351.
Congenital myopathy 22B, severe fetal (CMYO22B). Identifiers: MedGen C5830501, MONDO:0957265, OMIM 620369.
Potassium-aggravated myotonia. Also called: MYOTONIA CONGENITA, ACETAZOLAMIDE-RESPONSIVE; MYOTONIA CONGENITA, ATYPICAL; SODIUM CHANNEL MUSCLE DISEASE; Myotonia congenita, atypical, acetazolamide-responsive. Identifiers: Orphanet 612, Orphanet 99734, Orphanet 99735, Orphanet 99736, MedGen C2931826, MONDO:0018959, OMIM 608390.
Congenital myasthenic syndrome 16. Identifiers: Orphanet 590, MedGen C3280112, MONDO:0013620, OMIM 614198.

Allele frequency attached by ClinVar (database versions not stated): TOPMed 0.00007; ESP Exome Variant Server 0.00024; gnomAD exomes 0.00004 and 0.00003; gnomAD 0.00004; ExAC 0.00004.

Submissions (4):

Greenwood Genetic Center Diagnostic Laboratories, Greenwood Genetic Center
Classification: Uncertain significance. Last evaluated: 2025-06-12. Review status: criteria provided, single submitter. Criteria: ACMG Guidelines, 2015. Collection method: clinical testing. Allele origin: germline. Affected: yes.
Comment: PM1_Supporting, PM2, PP3

Labcorp Genetics (formerly Invitae), Labcorp
Classification: Uncertain significance for Hyperkalemic periodic paralysis. Last evaluated: 2025-04-08. Review status: criteria provided, single submitter. Criteria: Invitae Variant Classification Sherloc (09022015). Collection method: clinical testing. Allele origin: germline.
Comment: This sequence change replaces threonine, which is neutral and polar, with methionine, which is neutral and non-polar, at codon 238 of the SCN4A protein (p.Thr238Met). This variant is present in population databases (rs201661188, gnomAD 0.02%). This variant has not been reported in the literature in individuals affected with SCN4A-related conditions. ClinVar contains an entry for this variant (Variation ID: 805399). Invitae Evidence Modeling of protein sequence and biophysical properties (such as structural, functional, and spatial information, amino acid conservation, physicochemical variation, residue mobility, and thermodynamic stability) has been performed for this missense variant. However, the output from this modeling did not meet the statistical confidence thresholds required to predict the impact of this variant on SCN4A protein function. In summary, the available evidence is currently insufficient to determine the role of this variant in disease. Therefore, it has been classified as a Variant of Uncertain Significance.

Fulgent Genetics
Classification: Uncertain significance for Paramyotonia congenita of Von Eulenburg; Hyperkalemic periodic paralysis; Potassium-aggravated myotonia; Hypokalemic periodic paralysis, type 2; Congenital myasthenic syndrome 16; Congenital myopathy 22A, classic; Congenital myopathy 22B, severe fetal. Last evaluated: 2024-02-12. Review status: criteria provided, single submitter. Criteria: ACMG Guidelines, 2015. Collection method: clinical testing. Allele origin: germline.

Athena Diagnostics
Classification: Uncertain significance. Last evaluated: 2019-05-01. Review status: criteria provided, single submitter. Criteria: Athena Diagnostics Criteria. Collection method: clinical testing. Allele origin: germline.